The following is an entry in ClinVar:

NM_001353345.2(SETD1B):c.5180T>A (p.Leu1727His)

Gene: SETD1B (SET domain containing 1B, histone lysine methyltransferase; plus strand). Cytogenetic location: 12q24.31.
Variant type: single nucleotide variant.
Coding change: c.5180T>A on transcript NM_001353345.2 (MANE Select); coding-DNA position 5180, T replaced by A.
Protein change: p.Leu1727His; replaces leucine 1727 with histidine.
Molecular consequence: missense variant.
Genome position (GRCh38, 1-based): chr12:121,825,209, T>A. VCF-style: chr12-121825209-T-A. GRCh37 (hg19) VCF-style: chr12-122263115-T-A.
Other names: short protein forms L1727H.
Identifiers: ClinVar variation 5002839 (VCV005002839.1).

ClinVar aggregate classification (germline): Uncertain significance (1 of 4 stars; one submission).

Conditions:
Intellectual developmental disorder with seizures and language delay (IDDSELD). Identifiers: MedGen C5436574, MONDO:0033559, OMIM 619000.

Submission:

OLLIN Analises Genomicas, OLLIN
Classification: Uncertain significance for Intellectual developmental disorder with seizures and language delay. Last evaluated: 2026-08-06. Review status: criteria provided, single submitter. Criteria: ACMG Guidelines 2015 PMID 25741868. Collection method: clinical testing. Allele origin: germline. Inheritance: Autosomal dominant inheritance.
Comment: This missense variant, located in exon 13 (of 17), is absent from gnomAD and ClinVar and has not been identified in the literature. In silico analysis predicts that this variant has a tolerated effect. This gene is constrained for missense variation. According to the currently available evidence, this variant has been classified as uncertain significance (PM2_P, PP2, BP4).